The following is an entry in ClinVar:

ClinVar aggregate classification (germline): Benign/Likely benign. Review status: criteria provided, multiple submitters, no conflicts (2 of 4 stars). 2 submissions from 2 submitters: Benign (1); Likely benign (1). Last evaluated 2026-09-01.

Allele frequency attached by ClinVar (database versions not stated): gnomAD exomes 0.00022 and 0.00049; ExAC 0.00073; 1000 Genomes Project 30x 0.00156; 1000 Genomes Project 0.00160; gnomAD 0.00180 and 0.00198; TOPMed 0.00198; ESP Exome Variant Server 0.00284.
gnomAD v4.1: 605 of 1,614,050 alleles (0.037%); highest among the groups gnomAD compares: African/African-American, 0.65%; 2 homozygotes.

Submissions (2):

CeGaT Center for Human Genetics Tuebingen
Classification: Likely benign. Last evaluated: 2026-09-01. Review status: criteria provided, single submitter. Criteria: CeGaT Center For Human Genetics Tuebingen Variant Classification Criteria Version 2. Collection method: clinical testing. Allele origin: germline. Affected: yes. Observed: 1 variant allele.
Comment: RFX3: BP4, BP7, BS1

Labcorp Genetics (formerly Invitae), Labcorp
Classification: Benign. Last evaluated: 2017-10-19. Review status: criteria provided, single submitter. Criteria: Invitae Variant Classification Sherloc (09022015). Collection method: clinical testing. Allele origin: germline.

NM_001282116.2(RFX3):c.1752T>C (p.Tyr584=)

Gene: RFX3 (regulatory factor X3; minus strand). Cytogenetic location: 9p24.2.
Variant type: single nucleotide variant.
Coding change: c.1752T>C on transcript NM_001282116.2 (MANE Select); coding-DNA position 1752, T replaced by C.
Protein change: p.Tyr584=; no amino-acid change (tyrosine 584 retained).
Molecular consequence: synonymous variant.
Genome position (GRCh38, 1-based): chr9:3,257,053, A>G on the plus strand (T>C on the coding strand, the complement: RFX3 is on the minus strand). VCF-style: chr9-3257053-A-G. GRCh37 (hg19) VCF-style: chr9-3257053-A-G.
Other names: c.1752T>C, p.Tyr584= (NM_001377999.1, NM_002919.4, NM_134428.3).
Identifiers: ClinVar variation 768277 (VCV000768277.4), dbSNP rs75015818, ClinGen allele CA4967051.